The following is an entry in ClinVar:

NM_032776.3(JMJD1C):c.1135A>G (p.Ser379Gly)

Gene: JMJD1C (jumonji domain containing 1C; minus strand). Cytogenetic location: 10q21.3.
Variant type: single nucleotide variant.
Coding change: c.1135A>G on transcript NM_032776.3 (MANE Select); coding-DNA position 1135, A replaced by G.
Protein change: p.Ser379Gly; replaces serine 379 with glycine.
Molecular consequence: missense variant. On other transcripts: non-coding transcript variant (1).
Genome position (GRCh38, 1-based): chr10:63,215,032, T>C on the plus strand (A>G on the coding strand, the complement: JMJD1C is on the minus strand). VCF-style: chr10-63215032-T-C. GRCh37 (hg19) VCF-style: chr10-64974792-T-C.
Other names: c.589A>G, p.Ser197Gly (NM_001282948.2, NM_001318154.2); c.271A>G, p.Ser91Gly (NM_001318153.2); c.1021A>G, p.Ser341Gly (NM_001322252.2); c.478A>G, p.Ser160Gly (NM_001322254.2, NM_001322258.2); short protein forms S197G, S341G, S379G, S160G, S91G.
Identifiers: ClinVar variation 963768 (VCV000963768.9), dbSNP rs1847816499, ClinGen allele CA377050485.

ClinVar aggregate classification (germline): Uncertain significance (1 of 4 stars; one submission).

Conditions:
Early Myoclonic Encephalopathy. Identifiers: MedGen C0270855.

Submission:

Labcorp Genetics (formerly Invitae), Labcorp
Classification: Uncertain significance for Early Myoclonic Encephalopathy. Last evaluated: 2019-09-24. Review status: criteria provided, single submitter. Criteria: Invitae Variant Classification Sherloc (09022015). Collection method: clinical testing. Allele origin: germline.
Comment: This sequence change replaces serine with glycine at codon 379 of the JMJD1C protein (p.Ser379Gly). The serine residue is moderately conserved and there is a small physicochemical difference between serine and glycine. This variant is not present in population databases (ExAC no frequency). This variant has not been reported in the literature in individuals with JMJD1C-related conditions. Algorithms developed to predict the effect of missense changes on protein structure and function are either unavailable or do not agree on the potential impact of this missense change (SIFT: "Deleterious"; PolyPhen-2: "Probably Damaging"; Align-GVGD: "Class C0"). In summary, the available evidence is currently insufficient to determine the role of this variant in disease. Therefore, it has been classified as a Variant of Uncertain Significance.